The following is an entry in ClinVar:

ClinVar aggregate classification (germline): Uncertain significance (1 of 4 stars; one submission).

Conditions:
Hereditary spastic paraplegia 75. Also called: Spastic paraplegia 75, autosomal recessive. Identifiers: Orphanet 459056, MedGen C4225250, MONDO:0014729, OMIM 616680.

Allele frequency attached by ClinVar (database versions not stated): gnomAD 0.00001; gnomAD exomes 0.00001; TOPMed 0.00001.
gnomAD v4.1: 5 of 1,444,136 alleles (0.00035%); highest among the groups gnomAD compares: Non-Finnish European, 0.00046%; no homozygotes.

Submission:

Labcorp Genetics (formerly Invitae), Labcorp
Classification: Uncertain significance for Hereditary spastic paraplegia 75. Last evaluated: 2022-01-01. Review status: criteria provided, single submitter. Criteria: Invitae Variant Classification Sherloc (09022015). Collection method: clinical testing. Allele origin: germline.
Comment: In summary, the available evidence is currently insufficient to determine the role of this variant in disease. Therefore, it has been classified as a Variant of Uncertain Significance. This sequence change replaces serine, which is neutral and polar, with arginine, which is basic and polar, at codon 233 of the MAG protein (p.Ser233Arg). This variant is present in population databases (no rsID available, gnomAD 0.003%). This variant has not been reported in the literature in individuals affected with MAG-related conditions. Algorithms developed to predict the effect of missense changes on protein structure and function are either unavailable or do not agree on the potential impact of this missense change (SIFT: "Deleterious"; PolyPhen-2: "Benign"; Align-GVGD: "Class C0").

NM_002361.4(MAG):c.699C>G (p.Ser233Arg)

Gene: MAG (myelin associated glycoprotein; plus strand). Cytogenetic location: 19q13.12.
Variant type: single nucleotide variant.
Coding change: c.699C>G on transcript NM_002361.4 (MANE Select); coding-DNA position 699, C replaced by G.
Protein change: p.Ser233Arg; replaces serine 233 with arginine.
Molecular consequence: missense variant.
Genome position (GRCh38, 1-based): chr19:35,299,837, C>G. VCF-style: chr19-35299837-C-G. GRCh37 (hg19) VCF-style: chr19-35790740-C-G.
Other names: c.624C>G, p.Ser208Arg (NM_001199216.2); c.699C>G, p.Ser233Arg (NM_080600.3); short protein forms S208R, S233R.
Identifiers: ClinVar variation 1421065 (VCV001421065.6), dbSNP rs1348797051, ClinGen allele CA405309830.